The following is an entry in ClinVar:

NM_005654.6(NR2F1):c.137C>G (p.Ser46Trp)

Genes: NR2F1 (nuclear receptor subfamily 2 group F member 1; plus strand), NR2F1-AS1 (NR2F1 regulatory antisense RNA 1; minus strand). Cytogenetic location: 5q15.
Variant type: single nucleotide variant.
Coding change: c.137C>G on transcript NM_005654.6 (MANE Select); coding-DNA position 137, C replaced by G.
Protein change: p.Ser46Trp; replaces serine 46 with tryptophan.
Molecular consequence: missense variant.
Genome position (GRCh38, 1-based): chr5:93,585,160, C>G. VCF-style: chr5-93585160-C-G. GRCh37 (hg19) VCF-style: chr5-92920866-C-G.
Other names: short protein forms S46W.
Identifiers: ClinVar variation 2824164 (VCV002824164.3), dbSNP rs1458930150, ClinGen allele CA360525608.
Genomic context (GRCh38, chr5:93,585,160, plus strand): 5'-CAGCGCAGGCGGCCCGCGGCGGCGGCGGCGGCGCCGGCGAGCAGCAGCAGCAGGCGGGCT[C>G]GGGCGCGCCGCACACGCCGCAGACCCCGGGCCAGCCCGGAGCGCCCGCCACCCCCGGCAC-3'
Protein context (NP_005645.1, residues 36-56): GAGEQQQQAG[Ser46Trp]GAPHTPQTPG

ClinVar aggregate classification (germline): Uncertain significance (1 of 4 stars; one submission).

Submission:

Labcorp Genetics (formerly Invitae), Labcorp
Classification: Uncertain significance. Last evaluated: 2023-01-21. Review status: criteria provided, single submitter. Criteria: Invitae Variant Classification Sherloc (09022015). Collection method: clinical testing. Allele origin: germline.
Comment: This sequence change replaces serine, which is neutral and polar, with tryptophan, which is neutral and slightly polar, at codon 46 of the NR2F1 protein (p.Ser46Trp). The frequency data for this variant in the population databases is considered unreliable, as metrics indicate insufficient coverage at this position in the gnomAD database. This variant has not been reported in the literature in individuals affected with NR2F1-related conditions. Advanced modeling of protein sequence and biophysical properties (such as structural, functional, and spatial information, amino acid conservation, physicochemical variation, residue mobility, and thermodynamic stability) performed at Invitae indicates that this missense variant is not expected to disrupt NR2F1 protein function. In summary, the available evidence is currently insufficient to determine the role of this variant in disease. Therefore, it has been classified as a Variant of Uncertain Significance.